The following is an entry in ClinVar:

NM_000327.4(ROM1):c.41G>A (p.Arg14His)

Gene: ROM1 (retinal outer segment membrane protein 1; plus strand). Cytogenetic location: 11q12.3.
Variant type: single nucleotide variant.
Coding change: c.41G>A on transcript NM_000327.4 (MANE Select); coding-DNA position 41, G replaced by A.
Protein change: p.Arg14His; replaces arginine 14 with histidine.
Molecular consequence: missense variant.
Genome position (GRCh38, 1-based): chr11:62,613,322, G>A. VCF-style: chr11-62613322-G-A. GRCh37 (hg19) VCF-style: chr11-62380794-G-A.
Other names: short protein forms R14H.
Identifiers: ClinVar variation 1400520 (VCV001400520.6), dbSNP rs762955801, ClinGen allele CA6049633.

ClinVar aggregate classification (germline): Uncertain significance (1 of 4 stars; one submission).

Allele frequency attached by ClinVar (database versions not stated): TOPMed below 0.00001; gnomAD exomes 0.00001; ExAC 0.00002; 1000 Genomes Project 30x 0.00016.

Submission:

Labcorp Genetics (formerly Invitae), Labcorp
Classification: Uncertain significance. Last evaluated: 2022-06-22. Review status: criteria provided, single submitter. Criteria: Invitae Variant Classification Sherloc (09022015). Collection method: clinical testing. Allele origin: germline.
Comment: The frequency data for this variant in the population databases is considered unreliable, as metrics indicate poor data quality at this position in the gnomAD database. This variant has not been reported in the literature in individuals affected with ROM1-related conditions. Algorithms developed to predict the effect of missense changes on protein structure and function are either unavailable or do not agree on the potential impact of this missense change (SIFT: "Deleterious"; PolyPhen-2: "Not Available"; Align-GVGD: "Class C0"). In summary, the available evidence is currently insufficient to determine the role of this variant in disease. Therefore, it has been classified as a Variant of Uncertain Significance. This sequence change replaces arginine, which is basic and polar, with histidine, which is basic and polar, at codon 14 of the ROM1 protein (p.Arg14His).